The following is an entry in ClinVar:

ClinVar aggregate classification (germline): Uncertain significance. Review status: criteria provided, multiple submitters, no conflicts (2 of 4 stars). 2 submissions from 2 submitters: Uncertain significance (2). Last evaluated 2025-03-05.

Conditions:
EPILEPSY, CHILDHOOD ABSENCE, SUSCEPTIBILITY TO, 2 (ECA2). Identifiers: Orphanet 64280, MedGen C1843244, OMIM 607681.
Febrile seizures, familial, 8 (FEB8). Also called: CONVULSIONS, FAMILIAL FEBRILE, 8. Identifiers: Orphanet 36387, MedGen C1969810, MONDO:0011891, OMIM 607681.

Submissions (2):

GeneDx
Classification: Uncertain significance. Last evaluated: 2025-03-05. Review status: criteria provided, single submitter. Criteria: GeneDx Variant Classification Process June 2021. Collection method: clinical testing. Allele origin: germline. Affected: yes.
Comment: Not observed at significant frequency in large population cohorts (gnomAD); In silico analysis supports that this missense variant has a deleterious effect on protein structure/function; Has not been previously published as pathogenic or benign to our knowledge

Labcorp Genetics (formerly Invitae), Labcorp
Classification: Uncertain significance for Febrile seizures, familial, 8; EPILEPSY, CHILDHOOD ABSENCE, SUSCEPTIBILITY TO, 2. Last evaluated: 2024-01-18. Review status: criteria provided, single submitter. Criteria: Invitae Variant Classification Sherloc (09022015). Collection method: clinical testing. Allele origin: germline.
Comment: This sequence change replaces valine, which is neutral and non-polar, with phenylalanine, which is neutral and non-polar, at codon 346 of the GABRG2 protein (p.Val346Phe). This variant is not present in population databases (gnomAD no frequency). This variant has not been reported in the literature in individuals affected with GABRG2-related conditions. Advanced modeling of protein sequence and biophysical properties (such as structural, functional, and spatial information, amino acid conservation, physicochemical variation, residue mobility, and thermodynamic stability) performed at Invitae indicates that this missense variant is expected to disrupt GABRG2 protein function with a positive predictive value of 95%. In summary, the available evidence is currently insufficient to determine the role of this variant in disease. Therefore, it has been classified as a Variant of Uncertain Significance.

NM_198904.4(GABRG2):c.1036G>T (p.Val346Phe)

Gene: GABRG2 (gamma-aminobutyric acid type A receptor subunit gamma2; plus strand). Cytogenetic location: 5q34.
Variant type: single nucleotide variant.
Coding change: c.1036G>T on transcript NM_198904.4 (MANE Select); coding-DNA position 1036, G replaced by T.
Protein change: p.Val346Phe; replaces valine 346 with phenylalanine.
Molecular consequence: missense variant. On other transcripts: intron variant (1).
Genome position (GRCh38, 1-based): chr5:162,149,221, G>T. VCF-style: chr5-162149221-G-T. GRCh37 (hg19) VCF-style: chr5-161576227-G-T.
Other names: c.1036G>T, p.Val346Phe (NM_000816.3); c.1027G>T, p.Val343Phe (NM_001375339.1); c.1033G>T, p.Val345Phe (NM_001375341.1, NM_001375342.1); c.1156G>T, p.Val386Phe (NM_001375343.1, NM_198903.2); c.1075G>T, p.Val359Phe (NM_001375344.1); c.970G>T, p.Val324Phe (NM_001375345.1, NM_001375346.1); c.949G>T, p.Val317Phe (NM_001375347.1); c.616G>T, p.Val206Phe (NM_001375348.1, NM_001375350.1); and 2 more; short protein forms V346F, V386F, V206F, V343F, V251F, V317F, V345F, V359F.
Identifiers: ClinVar variation 2954031 (VCV002954031.4), dbSNP rs2532756627, ClinGen allele CA362182539.
Genomic context (GRCh38, chr5:162,149,221, plus strand): 5'-CTCCCCAAGGTCTCCTATGTCACAGCGATGGATCTCTTTGTATCTGTTTGTTTCATCTTT[G>T]TCTTCTCTGCTCTGGTGGAGTATGGCACCTTGCATTATTTTGTCAGCAACCGGAAACCAA-3'
Protein context (NP_944494.1, residues 336-356): DLFVSVCFIF[Val346Phe]FSALVEYGTL